The following is an entry in ClinVar:

ClinVar aggregate classification (germline): Benign/Likely benign. Review status: criteria provided, multiple submitters, no conflicts (2 of 4 stars). 5 submissions from 5 submitters: Benign (2); Likely benign (2). 1 of the submissions does not count toward it. Last evaluated 2025-12-13.

Conditions:
IQSEC2-related disorder. Also called: IQSEC2-related condition.
Intellectual developmental disorder, X-linked 1. Also called: Intellectual disability, X-linked 1; Atkin Flaitz Patil Smith syndrome; MENTAL RETARDATION, X-LINKED 18; MENTAL RETARDATION, X-LINKED 78. Identifiers: Orphanet 777, MedGen C2931498, MONDO:0010656, OMIM 309530.
Inborn genetic diseases. Identifiers: MedGen C0950123, MeSH D030342.

Allele frequency attached by ClinVar (database versions not stated): gnomAD exomes 0.00009 and 0.00030; TOPMed 0.00012; gnomAD 0.00026 and 0.00031; 1000 Genomes Project 0.00026; 1000 Genomes Project 30x 0.00042; ExAC 0.00032.
gnomAD v4.1: 145 of 1,160,224 alleles (0.012%); highest among the groups gnomAD compares: East Asian, 0.3%; no homozygotes.

Submissions (5):

Labcorp Genetics (formerly Invitae), Labcorp
Classification: Benign for Intellectual developmental disorder, X-linked 1. Last evaluated: 2025-12-13. Review status: criteria provided, single submitter. Criteria: Invitae Variant Classification Sherloc (09022015). Collection method: clinical testing. Allele origin: germline.

Blueprint Genetics
Classification: Likely benign. Last evaluated: 2024-11-27. Review status: criteria provided, single submitter. Criteria: ACMG Guidelines, 2015. Collection method: clinical testing. Allele origin: germline.

GeneDx
Classification: Likely benign. Last evaluated: 2020-10-26. Review status: criteria provided, single submitter. Criteria: GeneDx Variant Classification Process June 2021. Collection method: clinical testing. Allele origin: germline. Affected: yes.

Ambry Genetics
Classification: Benign for Inborn genetic diseases. Last evaluated: 2017-03-21. Review status: criteria provided, single submitter. Criteria: Ambry Variant Classification Scheme 2023. Collection method: clinical testing. Allele origin: germline.

PreventionGenetics, part of Exact Sciences
Classification: Likely benign for IQSEC2-related condition. Last evaluated: 2019-07-12. Review status: no assertion criteria provided. Collection method: clinical testing. Allele origin: germline. Not counted in ClinVar's aggregate classification.
Comment: This variant is classified as likely benign based on ACMG/AMP sequence variant interpretation guidelines (Richards et al. 2015 PMID: 25741868, with internal and published modifications).

NM_001111125.3(IQSEC2):c.188A>G (p.Glu63Gly)

Gene: IQSEC2 (IQ motif and Sec7 domain ArfGEF 2; minus strand). Cytogenetic location: Xp11.22.
Variant type: single nucleotide variant.
Coding change: c.188A>G on transcript NM_001111125.3 (MANE Select); coding-DNA position 188, A replaced by G.
Protein change: p.Glu63Gly; replaces glutamic acid 63 with glycine.
Molecular consequence: missense variant.
Genome position (GRCh38, 1-based): chrX:53,320,936, T>C on the plus strand (A>G on the coding strand, the complement: IQSEC2 is on the minus strand). VCF-style: chrX-53320936-T-C. GRCh37 (hg19) VCF-style: chrX-53350134-T-C.
Other names: short protein forms E63G.
Identifiers: ClinVar variation 383983 (VCV000383983.24), dbSNP rs782051125, ClinGen allele CA10420224.